The following is an entry in ClinVar:

ClinVar aggregate classification (germline): Uncertain significance (1 of 4 stars; one submission).

Submission:

GeneDx
Classification: Uncertain significance. Last evaluated: 2025-08-12. Review status: criteria provided, single submitter. Criteria: GeneDx Variant Classification Process June 2021. Collection method: clinical testing. Allele origin: germline. Affected: yes.
Comment: Not observed at significant frequency in large population cohorts (gnomAD); In silico analysis supports that this missense variant has a deleterious effect on protein structure/function; Has not been previously published as pathogenic or benign to our knowledge

NM_015559.3(SETBP1):c.3133G>A (p.Gly1045Arg)

Gene: SETBP1 (SET binding protein 1; plus strand). Cytogenetic location: 18q12.3.
Variant type: single nucleotide variant.
Coding change: c.3133G>A on transcript NM_015559.3 (MANE Select); coding-DNA position 3133, G replaced by A.
Protein change: p.Gly1045Arg; replaces glycine 1045 with arginine.
Molecular consequence: missense variant.
Genome position (GRCh38, 1-based): chr18:44,952,473, G>A. VCF-style: chr18-44952473-G-A. GRCh37 (hg19) VCF-style: chr18-42532438-G-A.
Other names: c.3133G>A, p.Gly1045Arg (NM_001379141.1, NM_001379142.1, NM_001410862.1); short protein forms G1045R.
Identifiers: ClinVar variation 4795653 (VCV004795653.1).